The following is an entry in ClinVar:

ClinVar aggregate classification (germline): Uncertain significance (1 of 4 stars; one submission).

Conditions:
Haddad syndrome (OHD). Also called: Ondine-Hirschsprung disease. Identifiers: Orphanet 99803, MedGen C1859049, MONDO:0020493.

Submission:

Labcorp Genetics (formerly Invitae), Labcorp
Classification: Uncertain significance for Haddad syndrome. Last evaluated: 2019-06-15. Review status: criteria provided, single submitter. Criteria: Invitae Variant Classification Sherloc (09022015). Collection method: clinical testing. Allele origin: germline.
Comment: This sequence change replaces lysine with asparagine at codon 188 of the PHOX2B protein (p.Lys188Asn). The lysine residue is highly conserved and there is a moderate physicochemical difference between lysine and asparagine. This variant is not present in population databases (ExAC no frequency). This variant has not been reported in the literature in individuals with PHOX2B-related conditions. In summary, the available evidence is currently insufficient to determine the role of this variant in disease. Therefore, it has been classified as a Variant of Uncertain Significance.

NM_003924.4(PHOX2B):c.564G>C (p.Lys188Asn)

Gene: PHOX2B (paired like homeobox 2B; minus strand). Cytogenetic location: 4p13.
Variant type: single nucleotide variant.
Coding change: c.564G>C on transcript NM_003924.4 (MANE Select); coding-DNA position 564, G replaced by C.
Protein change: p.Lys188Asn; replaces lysine 188 with asparagine.
Molecular consequence: missense variant.
Genome position (GRCh38, 1-based): chr4:41,746,188, C>G on the plus strand (G>C on the coding strand, the complement: PHOX2B is on the minus strand). VCF-style: chr4-41746188-C-G. GRCh37 (hg19) VCF-style: chr4-41748205-C-G.
Other names: short protein forms K188N.
Identifiers: ClinVar variation 940442 (VCV000940442.9), dbSNP rs1733892834, ClinGen allele CA356738025.